The following is an entry in ClinVar:

ClinVar aggregate classification (germline): Uncertain significance. Review status: criteria provided, multiple submitters, no conflicts (2 of 4 stars). 2 submissions from 2 submitters: Uncertain significance (2). Last evaluated 2023-09-08.

Conditions:
Mendelian susceptibility to mycobacterial diseases due to complete IL12RB1 deficiency. Also called: Immunodeficiency 30; IL12RB1 DEFICIENCY. Identifiers: Orphanet 319552, MedGen C4013949, MONDO:0013955, OMIM 614891.

Submissions (2):

Blueprint Genetics
Classification: Uncertain significance. Last evaluated: 2023-09-08. Review status: criteria provided, single submitter. Criteria: ACMG Guidelines, 2015. Collection method: clinical testing. Allele origin: germline.

Labcorp Genetics (formerly Invitae), Labcorp
Classification: Uncertain significance for Mendelian susceptibility to mycobacterial diseases due to complete IL12RB1 deficiency. Last evaluated: 2022-09-07. Review status: criteria provided, single submitter. Criteria: Invitae Variant Classification Sherloc (09022015). Collection method: clinical testing. Allele origin: germline.
Comment: This sequence change falls in intron 14 of the IL12RB1 gene. It does not directly change the encoded amino acid sequence of the IL12RB1 protein. This variant is present in population databases (rs759702719, gnomAD 0.02%). This variant has not been reported in the literature in individuals affected with IL12RB1-related conditions. ClinVar contains an entry for this variant (Variation ID: 946078). Algorithms developed to predict the effect of sequence changes on RNA splicing suggest that this variant may disrupt the consensus splice site. In summary, the available evidence is currently insufficient to determine the role of this variant in disease. Therefore, it has been classified as a Variant of Uncertain Significance.

NM_005535.3(IL12RB1):c.1716-9_1716-8insGGTCCCCTTTCATCCCCA

Gene: IL12RB1 (interleukin 12 receptor subunit beta 1; minus strand). Cytogenetic location: 19p13.11.
Variant type: Insertion.
Coding change: c.1716-9_1716-8insGGTCCCCTTTCATCCCCA on transcript NM_005535.3 (MANE Select); 9 bases into the intron before coding-DNA position 1716 through 8 bases into the intron before coding-DNA position 1716, GGTCCCCTTTCATCCCCA inserted.
Molecular consequence: intron variant.
Genome position: GRCh38 VCF-style: chr19-18061205-G-GGAAAGGGGACCTGGGGAT. GRCh37 (hg19) VCF-style: chr19-18172015-G-GGAAAGGGGACCTGGGGAT.
Other names: c.1836-9_1836-8insGGTCCCCTTTCATCCCCA (NM_001290024.2); c.1716-9_1716-8insGGTCCCCTTTCATCCCCA (NM_001290023.2); c.1737-9_1737-8insGGTCCCCTTTCATCCCCA (NM_001440425.1, NM_001440424.1).
Identifiers: ClinVar variation 946078 (VCV000946078.6), dbSNP rs759702719, ClinGen allele CA9304711.